The following is an entry in ClinVar:

NM_001165963.4(SCN1A):c.5832A>T (p.Lys1944Asn)

Genes: SCN1A (sodium voltage-gated channel alpha subunit 1; minus strand), LOC102724058 (uncharacterized LOC102724058; plus strand). Cytogenetic location: 2q24.3.
Variant type: single nucleotide variant.
Coding change: c.5832A>T on transcript NM_001165963.4 (MANE Select); coding-DNA position 5832, A replaced by T.
Protein change: p.Lys1944Asn; replaces lysine 1944 with asparagine.
Molecular consequence: missense variant. On other transcripts: non-coding transcript variant (1).
Genome position (GRCh38, 1-based): chr2:165,991,443, T>A on the plus strand (A>T on the coding strand, the complement: SCN1A is on the minus strand). VCF-style: chr2-165991443-T-A. GRCh37 (hg19) VCF-style: chr2-166847953-T-A.
Other names: c.5748A>T, p.Lys1916Asn (NM_001165964.3, NM_001353957.2, NM_001353958.2); c.5832A>T, p.Lys1944Asn (NM_001202435.3, NM_001353948.2); c.5799A>T, p.Lys1933Asn (NM_001353949.2, NM_001353950.2, NM_001353951.2 and 2 more transcripts); c.5796A>T, p.Lys1932Asn (NM_001353954.2, NM_001353955.2); c.5745A>T, p.Lys1915Asn (NM_001353960.2); c.3390A>T, p.Lys1130Asn (NM_001353961.2); short protein forms K1915N, K1933N, K1130N, K1944N, K1916N, K1932N.
Identifiers: ClinVar variation 1503396 (VCV001503396.7), dbSNP rs1255900122, ClinGen allele CA349063603.

ClinVar aggregate classification (germline): Uncertain significance (1 of 4 stars; one submission).

Conditions:
Early-infantile DEE. Also called: Early infantile epileptic encephalopathy; Ohtahara syndrome; Early infantile epileptic encephalopathy with suppression bursts. Identifiers: Orphanet 1934, MedGen C0393706, MONDO:0800491.

Allele frequency attached by ClinVar (database versions not stated): gnomAD exomes below 0.00001 and 0.00001; TOPMed 0.00002.
gnomAD v4.1: 2 of 1,613,856 alleles (0.00012%); highest among the groups gnomAD compares: Admixed American, 0.0033%; no homozygotes.

Submission:

Labcorp Genetics (formerly Invitae), Labcorp
Classification: Uncertain significance for Early-infantile DEE. Last evaluated: 2025-02-17. Review status: criteria provided, single submitter. Criteria: Invitae Variant Classification Sherloc (09022015). Collection method: clinical testing. Allele origin: germline.
Comment: This sequence change replaces lysine, which is basic and polar, with asparagine, which is neutral and polar, at codon 1944 of the SCN1A protein (p.Lys1944Asn). This variant is present in population databases (no rsID available, gnomAD 0.006%). This variant has not been reported in the literature in individuals affected with SCN1A-related conditions. ClinVar contains an entry for this variant (Variation ID: 1503396). Invitae Evidence Modeling of protein sequence and biophysical properties (such as structural, functional, and spatial information, amino acid conservation, physicochemical variation, residue mobility, and thermodynamic stability) indicates that this missense variant is not expected to disrupt SCN1A protein function with a negative predictive value of 95%. In summary, the available evidence is currently insufficient to determine the role of this variant in disease. Therefore, it has been classified as a Variant of Uncertain Significance.